The following is an entry in ClinVar:

NM_000297.4(PKD2):c.875A>C (p.Tyr292Ser)

Gene: PKD2 (polycystin 2, transient receptor potential cation channel; plus strand). Cytogenetic location: 4q22.1.
Variant type: single nucleotide variant.
Coding change: c.875A>C on transcript NM_000297.4 (MANE Select); coding-DNA position 875, A replaced by C.
Protein change: p.Tyr292Ser; replaces tyrosine 292 with serine.
Molecular consequence: missense variant. On other transcripts: non-coding transcript variant (1).
Genome position (GRCh38, 1-based): chr4:88,038,282, A>C. VCF-style: chr4-88038282-A-C. GRCh37 (hg19) VCF-style: chr4-88959434-A-C.
Other names: short protein forms Y292S.
Identifiers: ClinVar variation 997284 (VCV000997284.1), dbSNP rs1560608538, ClinGen allele CA357632372.

ClinVar aggregate classification (germline): Uncertain significance (0 of 4 stars; one submission).

Conditions:
Polycystic kidney disease. Also called: Polycystic kidney dysplasia; Kidney, Polycystic. Identifiers: MedGen C0022680, MeSH D007690, MONDO:0020642, HP:0000113.

Submission:

Department of Pathology and Laboratory Medicine, Sinai Health System
Classification: Uncertain significance for Polycystic Kidney disease. Review status: no assertion criteria provided. Collection method: clinical testing. Allele origin: unknown. Affected: yes. Study: The Canadian Open Genetics Repository (COGR).
Comment: The PKD2 p.Tyr292Ser variant was not identified in the literature nor was it identified in the dbSNP, ClinVar, LOVD 3.0, ADPKD Mutation, and PKD1-LOVD, databases. The variant was not identified in the 1000 Genomes Project, the NHLBI GO Exome Sequencing Project or the Exome Aggregation Consortium (August 8th 2016) control databases. The p.Tyr292 residue is conserved across mammals and other organisms, and four out of five computational analyses (PolyPhen-2, SIFT, AlignGVGD, BLOSUM, MutationTaster) suggest that the Ser variant may impact the protein; however, this information is not predictive enough to assume pathogenicity. The variant occurs outside of the splicing consensus sequence and in-silico or computational prediction software programs (SpliceSiteFinder, MaxEntScan, NNSPLICE, GeneSplicer, HumanSpliceFinder) do not predict a difference in splicing. The variant is located with the Polycystin cation channel PKD2 functional domain increasing the likelihood that it may have clinical significance. In summary, based on the above information the clinical significance of this variant cannot be determined with certainty at this time. This variant is classified as a variant of uncertain significance.